The following is an entry in ClinVar:

ClinVar aggregate classification (germline): Uncertain significance (1 of 4 stars; one submission).

Conditions:
Atypical hemolytic-uremic syndrome. Identifiers: Orphanet 2134, MedGen C2931788, MONDO:0016244.

gnomAD v4.1: 4 of 1,613,668 alleles (0.00025%); highest among the groups gnomAD compares: Non-Finnish European, 0.00034%; no homozygotes.

Submission:

Genomenon, Inc
Classification: Uncertain significance for Atypical hemolytic-uremic syndrome. Last evaluated: 2025-10-02. Review status: criteria provided, single submitter. Criteria: Genomenon Sequence Variant Interpretation Standards - Updated. Collection method: curation. Allele origin: germline. Affected: yes.
Comment: CFH p.Cys733Tyr (c.2198G>A) is a missense variant that changes the amino acid at residue 733 from Cysteine to Tyrosine. This variant has been observed in at least one proband affected with atypical hemolytic-uremic syndrome (PMID:23307876). It is absent or not present at a significant frequency in gnomAD. In silico models agree that this variant is possibly or probably damaging. In conclusion, we classify CFH p.Cys733Tyr (c.2198G>A) as a variant of uncertain significance.

Literature cited by the submitters: PubMed 23307876.

NM_000186.4(CFH):c.2198G>A (p.Cys733Tyr)

Gene: CFH (complement factor H; plus strand). Cytogenetic location: 1q31.3.
Variant type: single nucleotide variant.
Coding change: c.2198G>A on transcript NM_000186.4 (MANE Select); coding-DNA position 2198, G replaced by A.
Protein change: p.Cys733Tyr; replaces cysteine 733 with tyrosine.
Molecular consequence: missense variant.
Genome position (GRCh38, 1-based): chr1:196,726,902, G>A. VCF-style: chr1-196726902-G-A. GRCh37 (hg19) VCF-style: chr1-196696032-G-A.
Other names: short protein forms C733Y.
Identifiers: ClinVar variation 4291456 (VCV004291456.1).
Genomic context (GRCh38, chr1:196,726,902, plus strand): 5'-ATTCAGTGGAATTCAATTGCTCAGAATCATTTACAATGATTGGACACAGATCAATTACGT[G>A]TATTCATGGAGTATGGACCCAACTTCCCCAGTGTGTGGGTGAGAATACCCTTCTTAAATC-3'
Protein context (NP_000177.2, residues 723-743): FTMIGHRSIT[Cys733Tyr]IHGVWTQLPQ